The following is an entry in ClinVar:

NM_014855.3(AP5Z1):c.790+6C>T

Gene: AP5Z1 (adaptor related protein complex 5 subunit zeta 1; plus strand). Cytogenetic location: 7p22.1.
Variant type: single nucleotide variant.
Coding change: c.790+6C>T on transcript NM_014855.3 (MANE Select); 6 bases into the intron after coding-DNA position 790, C replaced by T.
Molecular consequence: intron variant.
Genome position (GRCh38, 1-based): chr7:4,784,377, C>T. VCF-style: chr7-4784377-C-T. GRCh37 (hg19) VCF-style: chr7-4824008-C-T.
Other names: c.322+6C>T (NM_001364858.1).
Identifiers: ClinVar variation 911916 (VCV000911916.12), dbSNP rs776469236, ClinGen allele CA4137362.
Genomic context (GRCh38, chr7:4,784,377, plus strand): 5'-CTGCGGGCGTGGCTGCTGCACAGCGGCCCCGAGGGCCCGGGCACCCTGGACACAGGTGTG[C>T]GGGGTGGGGGGATGACGTCAGACAGGGGTGGGAGGTGGGCGCACTATGGGTTGGTCGCAG-3'

ClinVar aggregate classification (germline): Uncertain significance. Review status: criteria provided, multiple submitters, no conflicts (2 of 4 stars). 2 submissions from 2 submitters: Uncertain significance (2). Last evaluated 2020-04-01.

Conditions:
Hereditary spastic paraplegia 48. Also called: Spastic paraplegia 48; SPASTIC PARAPLEGIA 48, AUTOSOMAL RECESSIVE. Identifiers: Orphanet 306511, MedGen C3150901, MONDO:0013342, OMIM 613647.

Allele frequency attached by ClinVar (database versions not stated): gnomAD 0.00003; gnomAD exomes 0.00008; ExAC 0.00009.

Submissions (2):

Labcorp Genetics (formerly Invitae), Labcorp
Classification: Uncertain significance for Hereditary spastic paraplegia 48. Last evaluated: 2020-04-01. Review status: criteria provided, single submitter. Criteria: Invitae Variant Classification Sherloc (09022015). Collection method: clinical testing. Allele origin: germline.
Comment: Nucleotide substitutions within the consensus splice site are a relatively common cause of aberrant splicing (PMID: 17576681, 9536098). Algorithms developed to predict the effect of sequence changes on RNA splicing suggest that this variant is not likely to affect RNA splicing, but this prediction has not been confirmed by published transcriptional studies. In summary, the available evidence is currently insufficient to determine the role of this variant in disease. Therefore, it has been classified as a Variant of Uncertain Significance. This variant has not been reported in the literature in individuals with AP5Z1-related conditions. This variant is present in population databases (rs776469236, ExAC 0.08%). This sequence change falls in intron 6 of the AP5Z1 gene. It does not directly change the encoded amino acid sequence of the AP5Z1 protein, but it affects a nucleotide within the consensus splice site of the intron.

Illumina Laboratory Services, Illumina
Classification: Uncertain significance for Hereditary spastic paraplegia 48. Last evaluated: 2018-01-13. Review status: criteria provided, single submitter. Criteria: ICSL Variant Classification Criteria 13 December 2019. Collection method: clinical testing. Allele origin: germline.

Literature cited by the submitters: PubMed 17576681 (cited by Labcorp Genetics (formerly Invitae), Labcorp); PubMed 9536098 (cited by Labcorp Genetics (formerly Invitae), Labcorp).